The following is an entry in ClinVar:

NM_004385.5(VCAN):c.2585A>G (p.Gln862Arg)

Gene: VCAN (versican; plus strand). Cytogenetic location: 5q14.3.
Variant type: single nucleotide variant.
Coding change: c.2585A>G on transcript NM_004385.5 (MANE Select); coding-DNA position 2585, A replaced by G.
Protein change: p.Gln862Arg; replaces glutamine 862 with arginine.
Molecular consequence: missense variant. On other transcripts: intron variant (2).
Genome position (GRCh38, 1-based): chr5:83,520,891, A>G. VCF-style: chr5-83520891-A-G. GRCh37 (hg19) VCF-style: chr5-82816710-A-G.
Other names: c.2585A>G, p.Gln862Arg (NM_001164098.2); c.1042+8495A>G (NM_001164097.2, NM_001126336.3); short protein forms Q862R.
Identifiers: ClinVar variation 2074803 (VCV002074803.4), dbSNP rs1746063938, ClinGen allele CA360304248.

ClinVar aggregate classification (germline): Uncertain significance (1 of 4 stars; one submission).

Allele frequency attached by ClinVar (database versions not stated): TOPMed below 0.00001.

Submission:

Labcorp Genetics (formerly Invitae), Labcorp
Classification: Uncertain significance. Last evaluated: 2022-07-19. Review status: criteria provided, single submitter. Criteria: Invitae Variant Classification Sherloc (09022015). Collection method: clinical testing. Allele origin: germline.
Comment: In summary, the available evidence is currently insufficient to determine the role of this variant in disease. Therefore, it has been classified as a Variant of Uncertain Significance. Algorithms developed to predict the effect of missense changes on protein structure and function (SIFT, PolyPhen-2, Align-GVGD) all suggest that this variant is likely to be tolerated. This variant has not been reported in the literature in individuals affected with VCAN-related conditions. This variant is not present in population databases (gnomAD no frequency). This sequence change replaces glutamine, which is neutral and polar, with arginine, which is basic and polar, at codon 862 of the VCAN protein (p.Gln862Arg).